The following is an entry in ClinVar:

NM_022464.5(SIL1):c.646-112A>C

Gene: SIL1 (SIL1 nucleotide exchange factor; minus strand). Cytogenetic location: 5q31.2.
Variant type: single nucleotide variant.
Coding change: c.646-112A>C on transcript NM_022464.5 (MANE Select); 112 bases into the intron before coding-DNA position 646, A replaced by C.
Molecular consequence: intron variant.
Genome position (GRCh38, 1-based): chr5:139,021,404, T>G on the plus strand (A>C on the coding strand, the complement: SIL1 is on the minus strand). VCF-style: chr5-139021404-T-G. GRCh37 (hg19) VCF-style: chr5-138357093-T-G.
Other names: c.646-112A>C (NM_001037633.2).
Identifiers: ClinVar variation 677489 (VCV000677489.2), dbSNP rs116502716, ClinGen allele CA128237753.
Genomic context (GRCh38, chr5:139,021,404, plus strand): 5'-TGTTCTTAGAGCCTTTCTTTTGGTGACTACCCAAAAACAAATTAAAAAGCCATGGAAAAA[T>G]CAATAATGGCCTTTTTGACTAAGAAAAGGTTTGTAAAAACCAATTTTTTAATACTCTTAA-3'

ClinVar aggregate classification (germline): Likely benign. Review status: criteria provided, multiple submitters, no conflicts (2 of 4 stars). 2 submissions from 2 submitters: Likely benign (2). Last evaluated 2018-06-19.

Allele frequency attached by ClinVar (database versions not stated): gnomAD exomes 0.00154; 1000 Genomes Project 0.01098; 1000 Genomes Project 30x 0.01187; gnomAD 0.01302 and 0.01410; TOPMed 0.01471.
gnomAD v4.1: 4,124 of 1,482,384 alleles (0.28%); highest among the groups gnomAD compares: African/African-American, 4.3%; 65 homozygotes.

Submissions (2):

GeneDx
Classification: Likely benign. Last evaluated: 2018-06-19. Review status: criteria provided, single submitter. Criteria: GeneDx Variant Classification (06012015). Collection method: clinical testing. Allele origin: germline. Affected: yes.
Comment: This variant is considered likely benign or benign based on one or more of the following criteria: it is a conservative change, it occurs at a poorly conserved position in the protein, it is predicted to be benign by multiple in silico algorithms, and/or has population frequency not consistent with disease.

Breakthrough Genomics
Classification: Likely benign. Review status: criteria provided, single submitter. Criteria: ACMG Guidelines, 2015. Collection method: not provided. Allele origin: germline. Inheritance: Autosomal recessive inheritance. Affected: yes.